The following is an entry in ClinVar:

ClinVar aggregate classification (germline): Uncertain significance (1 of 4 stars; one submission).

Submission:

Labcorp Genetics (formerly Invitae), Labcorp
Classification: Uncertain significance. Last evaluated: 2025-09-30. Review status: criteria provided, single submitter. Criteria: Invitae Variant Classification Sherloc (09022015). Collection method: clinical testing. Allele origin: germline.
Comment: This sequence change replaces cysteine, which is neutral and slightly polar, with serine, which is neutral and polar, at codon 108 of the COX4I2 protein (p.Cys108Ser). This variant is not present in population databases (gnomAD no frequency). This variant has not been reported in the literature in individuals affected with COX4I2-related conditions. ClinVar contains an entry for this variant (Variation ID: 3641539). An algorithm developed to predict the effect of missense changes on protein structure and function outputs the following: PolyPhen-2: "Benign". The serine amino acid residue is found in multiple mammalian species, which suggests that this missense change does not adversely affect protein function. In summary, the available evidence is currently insufficient to determine the role of this variant in disease. Therefore, it has been classified as a Variant of Uncertain Significance.

NM_032609.3(COX4I2):c.323G>C (p.Cys108Ser)

Gene: COX4I2 (cytochrome c oxidase subunit 4I2; plus strand). Cytogenetic location: 20q11.21.
Variant type: single nucleotide variant.
Coding change: c.323G>C on transcript NM_032609.3 (MANE Select); coding-DNA position 323, G replaced by C.
Protein change: p.Cys108Ser; replaces cysteine 108 with serine.
Molecular consequence: missense variant.
Genome position (GRCh38, 1-based): chr20:31,643,479, G>C. VCF-style: chr20-31643479-G-C. GRCh37 (hg19) VCF-style: chr20-30231282-G-C.
Other names: short protein forms C108S.
Identifiers: ClinVar variation 3641539 (VCV003641539.2).